The following is an entry in ClinVar:

ClinVar aggregate classification (germline): Likely benign (1 of 4 stars; one submission).

Conditions:
LEPR-related disorder. Also called: LEPR-related disorders; LEPR-related condition.

gnomAD v4.1: 3 of 1,612,304 alleles (0.00019%); highest among the groups gnomAD compares: Non-Finnish European, 0.00025%; no homozygotes.

Submission:

PreventionGenetics, part of Exact Sciences
Classification: Likely benign for LEPR-related condition. Last evaluated: 2025-06-23. Review status: criteria provided, single submitter. Criteria: ACMG Guidelines, 2015. Collection method: clinical testing. Allele origin: germline.
Comment: This variant is classified as likely benign based on ACMG/AMP sequence variant interpretation guidelines (Richards et al. 2015 PMID: 25741868, with internal and published modifications).

NM_002303.6(LEPR):c.*5A>T

Gene: LEPR (leptin receptor; plus strand). Cytogenetic location: 1p31.3.
Variant type: single nucleotide variant.
Coding change: c.*5A>T on transcript NM_002303.6 (MANE Select); 5 bases downstream of the stop codon, A replaced by T.
Molecular consequence: 3 prime UTR variant.
Genome position (GRCh38, 1-based): chr1:65,637,020, A>T. VCF-style: chr1-65637020-A-T. GRCh37 (hg19) VCF-style: chr1-66102703-A-T.
Identifiers: ClinVar variation 5000712 (VCV005000712.1).